The following is an entry in ClinVar:

ClinVar aggregate classification (germline): Uncertain significance (1 of 4 stars; one submission).

gnomAD v4.1: 1 of 1,606,670 alleles (0.000062%); highest among the groups gnomAD compares: Non-Finnish European, 0.000085%; no homozygotes.

Submission:

GeneDx
Classification: Uncertain significance. Last evaluated: 2024-03-13. Review status: criteria provided, single submitter. Criteria: GeneDx Variant Classification Process June 2021. Collection method: clinical testing. Allele origin: germline. Affected: yes.
Comment: Not observed at significant frequency in large population cohorts (gnomAD); In silico analysis supports that this missense variant does not alter protein structure/function; Has not been previously published as pathogenic or benign to our knowledge

NM_014633.5(CTR9):c.2828G>A (p.Ser943Asn)

Gene: CTR9 (CTR9 homolog, Paf1/RNA polymerase II complex component; plus strand). Cytogenetic location: 11p15.4.
Variant type: single nucleotide variant.
Coding change: c.2828G>A on transcript NM_014633.5 (MANE Select); coding-DNA position 2828, G replaced by A.
Protein change: p.Ser943Asn; replaces serine 943 with asparagine.
Molecular consequence: missense variant.
Genome position (GRCh38, 1-based): chr11:10,774,112, G>A. VCF-style: chr11-10774112-G-A. GRCh37 (hg19) VCF-style: chr11-10795659-G-A.
Other names: c.2756G>A, p.Ser919Asn (NM_001346279.2); short protein forms S919N, S943N.
Identifiers: ClinVar variation 3370991 (VCV003370991.1).